The following is an entry in ClinVar:

NM_003906.5(MCM3AP):c.37A>C (p.Ser13Arg)

Gene: MCM3AP (minichromosome maintenance complex component 3 associated protein; minus strand). Cytogenetic location: 21q22.3.
Variant type: single nucleotide variant.
Coding change: c.37A>C on transcript NM_003906.5 (MANE Select); coding-DNA position 37, A replaced by C.
Protein change: p.Ser13Arg; replaces serine 13 with arginine.
Molecular consequence: missense variant.
Genome position (GRCh38, 1-based): chr21:46,285,250, T>G on the plus strand (A>C on the coding strand, the complement: MCM3AP is on the minus strand). VCF-style: chr21-46285250-T-G. GRCh37 (hg19) VCF-style: chr21-47705164-T-G.
Other names: short protein forms S13R.
Identifiers: ClinVar variation 1446005 (VCV001446005.6), dbSNP rs2081397205, ClinGen allele CA410538323.

ClinVar aggregate classification (germline): Uncertain significance (1 of 4 stars; one submission).

Allele frequency attached by ClinVar (database versions not stated): TOPMed 0.00001.

Submission:

Labcorp Genetics (formerly Invitae), Labcorp
Classification: Uncertain significance. Last evaluated: 2022-06-14. Review status: criteria provided, single submitter. Criteria: Invitae Variant Classification Sherloc (09022015). Collection method: clinical testing. Allele origin: germline.
Comment: Algorithms developed to predict the effect of missense changes on protein structure and function (SIFT, PolyPhen-2, Align-GVGD) all suggest that this variant is likely to be tolerated. This variant has not been reported in the literature in individuals affected with MCM3AP-related conditions. This variant is not present in population databases (gnomAD no frequency). This sequence change replaces serine, which is neutral and polar, with arginine, which is basic and polar, at codon 13 of the MCM3AP protein (p.Ser13Arg). In summary, the available evidence is currently insufficient to determine the role of this variant in disease. Therefore, it has been classified as a Variant of Uncertain Significance.